The following is an entry in ClinVar:

NM_001482.3(GATM):c.1079dup (p.Met360fs)

Gene: GATM (glycine amidinotransferase; minus strand). Cytogenetic location: 15q21.1.
Variant type: Duplication.
Coding change: c.1079dup on transcript NM_001482.3 (MANE Select); coding-DNA position 1079, one base duplicated (T; older notation c.1079dupT).
Protein change: p.Met360fs; shifts the reading frame from methionine 360.
Molecular consequence: frameshift variant.
Genome position (GRCh38, 1-based): chr15:45,363,980, A duplicated on the plus strand (T on the coding strand, the reverse complement: GATM is on the minus strand). VCF-style (leftmost placement, unchanged base first): chr15-45363979-C-CA. GRCh37 (hg19) VCF-style: chr15-45656177-C-CA.
Other names: c.692dup, p.Met231fs (NM_001321015.2); short protein forms M360fs, M231fs.
Identifiers: ClinVar variation 2844980 (VCV002844980.3), dbSNP rs2541984182, ClinGen allele CA2739269388.

ClinVar aggregate classification (germline): Pathogenic (1 of 4 stars; one submission).

Conditions:
Arginine:glycine amidinotransferase deficiency (CCDS3). Also called: L-Arginine:Glycine Amidinotransferase (AGAT) Deficiency; AGAT deficiency; L-Arginine:Glycine Amidinotransferase Deficiency; Creatine deficiency syndrome due to AGAT deficiency; GATM deficiency; Cerebral creatine deficiency syndrome 3. Identifiers: Orphanet 35704, MedGen C2675179, MONDO:0012996, OMIM 612718.

Submission:

Labcorp Genetics (formerly Invitae), Labcorp
Classification: Pathogenic for Arginine:glycine amidinotransferase deficiency. Last evaluated: 2023-04-27. Review status: criteria provided, single submitter. Criteria: Invitae Variant Classification Sherloc (09022015). Collection method: clinical testing. Allele origin: germline.
Comment: This variant is not present in population databases (gnomAD no frequency). For these reasons, this variant has been classified as Pathogenic. This variant has not been reported in the literature in individuals affected with GATM-related conditions. This sequence change creates a premature translational stop signal (p.Met360Ilefs*8) in the GATM gene. It is expected to result in an absent or disrupted protein product. Loss-of-function variants in GATM are known to be pathogenic (PMID: 11555793).

Literature cited by the submitters: PubMed 11555793.